The following is an entry in ClinVar:

NM_021999.5(ITM2B):c.117+1G>A

Genes: ITM2B (integral membrane protein 2B; plus strand), LOC130009752 (ATAC-STARR-seq lymphoblastoid silent region 5332; plus strand). Cytogenetic location: 13q14.2.
Variant type: single nucleotide variant.
Coding change: c.117+1G>A on transcript NM_021999.5 (MANE Select); the canonical splice donor site of the intron after coding-DNA position 117, G replaced by A.
Molecular consequence: splice donor variant.
Genome position (GRCh38, 1-based): chr13:48,233,478, G>A. VCF-style: chr13-48233478-G-A. GRCh37 (hg19) VCF-style: chr13-48807614-G-A.
Identifiers: ClinVar variation 2112989 (VCV002112989.4), dbSNP rs2542037728, ClinGen allele CA388250120.

ClinVar aggregate classification (germline): Uncertain significance (1 of 4 stars; one submission).

Submission:

Labcorp Genetics (formerly Invitae), Labcorp
Classification: Uncertain significance. Last evaluated: 2022-03-16. Review status: criteria provided, single submitter. Criteria: Invitae Variant Classification Sherloc (09022015). Collection method: clinical testing. Allele origin: germline.
Comment: In summary, the available evidence is currently insufficient to determine the role of this variant in disease. Therefore, it has been classified as a Variant of Uncertain Significance. Algorithms developed to predict the effect of sequence changes on RNA splicing suggest that this variant may disrupt the consensus splice site. This variant has not been reported in the literature in individuals affected with ITM2B-related conditions. This variant is not present in population databases (gnomAD no frequency). This sequence change affects a donor splice site in intron 1 of the ITM2B gene. It is expected to disrupt RNA splicing. Variants that disrupt the donor or acceptor splice site typically lead to a loss of protein function (PMID: 16199547), however the current clinical and genetic evidence is not sufficient to establish whether loss-of-function variants in ITM2B cause disease.

Literature cited by the submitters: PubMed 16199547.